The following is an entry in ClinVar:

NM_020964.3(EPG5):c.2588A>G (p.Tyr863Cys)

Gene: EPG5 (ectopic P-granules 5 autophagy tethering factor; minus strand). Cytogenetic location: 18q21.1.
Variant type: single nucleotide variant.
Coding change: c.2588A>G on transcript NM_020964.3 (MANE Select); coding-DNA position 2588, A replaced by G.
Protein change: p.Tyr863Cys; replaces tyrosine 863 with cysteine.
Molecular consequence: missense variant.
Genome position (GRCh38, 1-based): chr18:45,925,868, T>C on the plus strand (A>G on the coding strand, the complement: EPG5 is on the minus strand). VCF-style: chr18-45925868-T-C. GRCh37 (hg19) VCF-style: chr18-43505834-T-C.
Other names: c.2588A>G, p.Tyr863Cys (NM_001410858.1, NM_001410859.1); short protein forms Y863C.
Identifiers: ClinVar variation 4883539 (VCV004883539.2).

ClinVar aggregate classification (germline): Uncertain significance (1 of 4 stars; one submission).

gnomAD v4.1: 9 of 1,539,606 alleles (0.00058%); highest among the groups gnomAD compares: South Asian, 0.0013%; no homozygotes.

Submission:

Dasa
Classification: Uncertain significance. Last evaluated: 2025-10-29. Review status: criteria provided, single submitter. Criteria: DASA Assertion Criteria. Collection method: clinical testing. Allele origin: germline.
Comment: NM_020964.3(EPG5):c.2588A>G (p.Tyr863Cys) is a missense variant that results in the substitution of tyrosine with cysteine. This variant is rare in population databases. Computational prediction algorithms are consistent with a benign effect. The currently available literature and clinical evidence are not sufficient to establish a definitive association between this variant and the reported condition. Therefore, this variant is classified as a variant of uncertain significance.